The following is an entry in ClinVar:

ClinVar aggregate classification (germline): Uncertain significance. Review status: criteria provided, multiple submitters, no conflicts (2 of 4 stars). 4 submissions from 4 submitters: Uncertain significance (4). Last evaluated 2025-10-27.

Conditions:
Inborn genetic diseases. Identifiers: MedGen C0950123, MeSH D030342.

Allele frequency attached by ClinVar (database versions not stated): gnomAD 0.00023 and 0.00024; TOPMed 0.00026; ESP Exome Variant Server 0.00038.
gnomAD v4.1: 619 of 1,613,892 alleles (0.038%); highest among the groups gnomAD compares: Non-Finnish European, 0.051%; no homozygotes.

Submissions (4):

Labcorp Genetics (formerly Invitae), Labcorp
Classification: Uncertain significance. Last evaluated: 2025-10-27. Review status: criteria provided, single submitter. Criteria: Invitae Variant Classification Sherloc (09022015). Collection method: clinical testing. Allele origin: germline.
Comment: This sequence change replaces serine, which is neutral and polar, with tyrosine, which is neutral and polar, at codon 68 of the OSGEP protein (p.Ser68Tyr). This variant is present in population databases (rs148435101, gnomAD 0.04%). This variant has not been reported in the literature in individuals affected with OSGEP-related conditions. ClinVar contains an entry for this variant (Variation ID: 1004090). Invitae Evidence Modeling of protein sequence and biophysical properties (such as structural, functional, and spatial information, amino acid conservation, physicochemical variation, residue mobility, and thermodynamic stability) indicates that this missense variant is not expected to disrupt OSGEP protein function with a negative predictive value of 80%. In summary, the available evidence is currently insufficient to determine the role of this variant in disease. Therefore, it has been classified as a Variant of Uncertain Significance.

Ambry Genetics
Classification: Uncertain significance for Inborn genetic diseases. Last evaluated: 2025-07-31. Review status: criteria provided, single submitter. Criteria: Ambry Variant Classification Scheme 2023. Collection method: clinical testing. Allele origin: germline.

Blueprint Genetics
Classification: Uncertain significance. Last evaluated: 2024-08-15. Review status: criteria provided, single submitter. Criteria: ACMG Guidelines, 2015. Collection method: clinical testing. Allele origin: germline.

CeGaT Center for Human Genetics Tuebingen
Classification: Uncertain significance. Last evaluated: 2024-04-01. Review status: criteria provided, single submitter. Criteria: CeGaT Center For Human Genetics Tuebingen Variant Classification Criteria Version 2. Collection method: clinical testing. Allele origin: germline. Affected: yes. Observed: 1 variant allele.
Comment: OSGEP: PM2, BP4

NM_017807.4(OSGEP):c.203C>A (p.Ser68Tyr)

Genes: OSGEP (O-sialoglycoprotein endopeptidase; minus strand), LOC107372315 (OSGEP/APEX1 bi-directional promoter region; plus strand). Cytogenetic location: 14q11.2.
Variant type: single nucleotide variant.
Coding change: c.203C>A on transcript NM_017807.4 (MANE Select); coding-DNA position 203, C replaced by A.
Protein change: p.Ser68Tyr; replaces serine 68 with tyrosine.
Molecular consequence: missense variant.
Genome position (GRCh38, 1-based): chr14:20,452,361, G>T on the plus strand (C>A on the coding strand, the complement: OSGEP is on the minus strand). VCF-style: chr14-20452361-G-T. GRCh37 (hg19) VCF-style: chr14-20920520-G-T.
Other names: c.203C>A (NM_017807.3); short protein forms S68Y.
Identifiers: ClinVar variation 1004090 (VCV001004090.31), dbSNP rs148435101, ClinGen allele CA7081316.